The following is an entry in ClinVar:

NM_000152.5(GAA):c.347G>A (p.Gly116Glu)

Gene: GAA (alpha glucosidase; plus strand). Cytogenetic location: 17q25.3.
Variant type: single nucleotide variant.
Coding change: c.347G>A on transcript NM_000152.5 (MANE Select); coding-DNA position 347, G replaced by A.
Protein change: p.Gly116Glu; replaces glycine 116 with glutamic acid.
Molecular consequence: missense variant.
Genome position (GRCh38, 1-based): chr17:80,104,933, G>A. VCF-style: chr17-80104933-G-A. GRCh37 (hg19) VCF-style: chr17-78078732-G-A.
Other names: c.347G>A, p.Gly116Glu (NM_001079803.3, NM_001079804.3); c.347G>A (NM_000152.3); short protein forms G116E.
Identifiers: ClinVar variation 1494435 (VCV001494435.8), dbSNP rs754285414, ClinGen allele CA401360844.

ClinVar aggregate classification (germline): Uncertain significance. Review status: criteria provided, multiple submitters, no conflicts (2 of 4 stars). 2 submissions from 2 submitters: Uncertain significance (2). Last evaluated 2020-12-17.

Conditions:
Glycogen storage disease, type II (IOPD). Also called: CARDIOMEGALIA GLYCOGENICA DIFFUSA; Glycogen storage disease type 2; Acid maltase deficiency disease; Aglucosidase alfa; Deficiency of alpha-glucosidase; Deficiency of lysosomal alpha-glucosidase. Identifiers: Orphanet 365, MedGen C0017921, MONDO:0009290, OMIM 232300.

Submissions (2):

Labcorp Genetics (formerly Invitae), Labcorp
Classification: Uncertain significance for Glycogen storage disease, type II. Last evaluated: 2020-12-17. Review status: criteria provided, single submitter. Criteria: Invitae Variant Classification Sherloc (09022015). Collection method: clinical testing. Allele origin: germline.
Comment: In summary, the available evidence is currently insufficient to determine the role of this variant in disease. Therefore, it has been classified as a Variant of Uncertain Significance. Advanced modeling of protein sequence and biophysical properties (such as structural, functional, and spatial information, amino acid conservation, physicochemical variation, residue mobility, and thermodynamic stability) performed at Invitae indicates that this missense variant is not expected to disrupt GAA protein function. This variant has not been reported in the literature in individuals with GAA-related conditions. This variant is not present in population databases (ExAC no frequency). This sequence change replaces glycine with glutamic acid at codon 116 of the GAA protein (p.Gly116Glu). The glycine residue is weakly conserved and there is a moderate physicochemical difference between glycine and glutamic acid.

Revvity Omics, Revvity
Classification: Uncertain significance. Last evaluated: 2019-04-10. Review status: criteria provided, single submitter. Criteria: ACMG Guidelines, 2015. Collection method: clinical testing. Allele origin: germline.